The following is an entry in ClinVar:

ClinVar aggregate classification (germline): Uncertain significance. Review status: criteria provided, multiple submitters, no conflicts (2 of 4 stars). 3 submissions from 3 submitters: Uncertain significance (3). Last evaluated 2024-10-01.

Conditions:
Cone-rod dystrophy. Also called: Cone/cone-rod dystrophy; Cone-rod degeneration. Identifiers: Orphanet 1872, MedGen C4085590, MONDO:0015993, HP:0000548.

Allele frequency attached by ClinVar (database versions not stated): gnomAD 0.00001; gnomAD exomes 0.00001; TOPMed 0.00002.
gnomAD v4.1: 12 of 1,614,074 alleles (0.00074%); highest among the groups gnomAD compares: Admixed American, 0.005%; no homozygotes.

Submissions (3):

Lab De Baere, Eye and Developmental Genetics Lab, Ghent University
Classification: Uncertain significance for Cone-rod dystrophy. Last evaluated: 2024-10-01. Review status: criteria provided, single submitter. Criteria: ACMG Guidelines, 2015. Collection method: research. Allele origin: inherited. Affected: yes. Observed: 1 variant allele.
Comment: ACMG/AMP guidelines: PM2, PP3

Blueprint Genetics
Classification: Uncertain significance. Last evaluated: 2024-02-21. Review status: criteria provided, single submitter. Criteria: ACMG Guidelines, 2015. Collection method: clinical testing. Allele origin: germline.

Labcorp Genetics (formerly Invitae), Labcorp
Classification: Uncertain significance. Last evaluated: 2022-05-19. Review status: criteria provided, single submitter. Criteria: Invitae Variant Classification Sherloc (09022015). Collection method: clinical testing. Allele origin: germline.
Comment: This sequence change replaces threonine, which is neutral and polar, with methionine, which is neutral and non-polar, at codon 795 of the MERTK protein (p.Thr795Met). This variant is present in population databases (no rsID available, gnomAD 0.003%). This variant has not been reported in the literature in individuals affected with MERTK-related conditions. Algorithms developed to predict the effect of missense changes on protein structure and function (SIFT, PolyPhen-2, Align-GVGD) all suggest that this variant is likely to be disruptive. In summary, the available evidence is currently insufficient to determine the role of this variant in disease. Therefore, it has been classified as a Variant of Uncertain Significance.

NM_006343.3(MERTK):c.2384C>T (p.Thr795Met)

Gene: MERTK (MER proto-oncogene, tyrosine kinase; plus strand). Cytogenetic location: 2q13.
Variant type: single nucleotide variant.
Coding change: c.2384C>T on transcript NM_006343.3 (MANE Select); coding-DNA position 2384, C replaced by T.
Protein change: p.Thr795Met; replaces threonine 795 with methionine.
Molecular consequence: missense variant.
Genome position (GRCh38, 1-based): chr2:112,022,292, C>T. VCF-style: chr2-112022292-C-T. GRCh37 (hg19) VCF-style: chr2-112779869-C-T.
Other names: short protein forms T795M.
Identifiers: ClinVar variation 1497035 (VCV001497035.5), dbSNP rs1326116803, ClinGen allele CA348240007.